The following is an entry in ClinVar:

ClinVar aggregate classification (germline): Benign/Likely benign. Review status: criteria provided, multiple submitters, no conflicts (2 of 4 stars). 2 submissions from 2 submitters: Benign (1); Likely benign (1). Last evaluated 2024-12-17.

Conditions:
Familial cancer of breast. Also called: Hereditary breast cancer; BREAST CANCER, FAMILIAL; hereditary breast carcinoma. Identifiers: Orphanet 227535, MedGen C0346153, MONDO:0016419, OMIM 114480. Disease mechanism: loss of function.
Fanconi anemia complementation group J. Also called: BRIP1-Related Fanconi Anemia. Identifiers: Orphanet 84, MedGen C1836860, MONDO:0012187, OMIM 609054.

Submissions (2):

Labcorp Genetics (formerly Invitae), Labcorp
Classification: Likely benign for Familial cancer of breast; Fanconi anemia complementation group J. Last evaluated: 2024-12-17. Review status: criteria provided, single submitter. Criteria: Invitae Variant Classification Sherloc (09022015). Collection method: clinical testing. Allele origin: germline.

Myriad Genetics, Inc.
Classification: Benign for Familial cancer of breast. Last evaluated: 2024-08-21. Review status: criteria provided, single submitter. Criteria: Myriad Autosomal Dominant, Autosomal Recessive and X-Linked Classification Criteria (2023). Collection method: clinical testing. Allele origin: unknown.
Comment: This variant is considered benign. This variant is a silent/synonymous amino acid change and it is not expected to impact splicing.

NM_032043.3(BRIP1):c.579A>G (p.Val193=)

Gene: BRIP1 (BRCA1 interacting DNA helicase 1; minus strand). Cytogenetic location: 17q23.2.
Variant type: single nucleotide variant.
Coding change: c.579A>G on transcript NM_032043.3 (MANE Select); coding-DNA position 579, A replaced by G.
Protein change: p.Val193=; no amino-acid change (valine 193 retained).
Molecular consequence: synonymous variant.
Genome position (GRCh38, 1-based): chr17:61,847,149, T>C on the plus strand (A>G on the coding strand, the complement: BRIP1 is on the minus strand). VCF-style: chr17-61847149-T-C. GRCh37 (hg19) VCF-style: chr17-59924510-T-C.
Identifiers: ClinVar variation 1539200 (VCV001539200.10), dbSNP rs2145743084, ClinGen allele CA501150630.